The following is an entry in ClinVar:

ClinVar aggregate classification (germline): Pathogenic (1 of 4 stars; one submission).

Submission:

Labcorp Genetics (formerly Invitae), Labcorp
Classification: Pathogenic. Last evaluated: 2024-09-06. Review status: criteria provided, single submitter. Criteria: Invitae Variant Classification Sherloc (09022015). Collection method: clinical testing. Allele origin: germline.
Comment: This sequence change creates a premature translational stop signal (p.Pro222Thrfs*84) in the SIN3A gene. It is expected to result in an absent or disrupted protein product. Loss-of-function variants in SIN3A are known to be pathogenic (PMID: 27399968). This variant is not present in population databases (gnomAD no frequency). This variant has not been reported in the literature in individuals affected with SIN3A-related conditions. For these reasons, this variant has been classified as Pathogenic.

Literature cited by the submitters: PubMed 27399968.

NM_001145358.2(SIN3A):c.663dup (p.Pro222fs)

Gene: SIN3A (SIN3 transcription regulator family member A; minus strand). Cytogenetic location: 15q24.2.
Variant type: Duplication.
Coding change: c.663dup on transcript NM_001145358.2 (MANE Select); coding-DNA position 663, one base duplicated (A; older notation c.663dupA).
Protein change: p.Pro222fs; shifts the reading frame from proline 222.
Molecular consequence: frameshift variant.
Genome position (GRCh38, 1-based): chr15:75,412,856, T duplicated on the plus strand (A on the coding strand, the reverse complement: SIN3A is on the minus strand); the first of 2 consecutive T bases (chr15:75,412,856-75,412,857); duplicating either gives the same sequence. VCF-style (leftmost placement, unchanged base first): chr15-75412855-G-GT. GRCh37 (hg19) VCF-style: chr15-75705196-G-GT.
Other names: c.663dup, p.Pro222fs (NM_001145357.2, NM_015477.3); short protein forms P222fs.
Identifiers: ClinVar variation 3644085 (VCV003644085.2).